The following is an entry in ClinVar:

NM_000297.4(PKD2):c.2457_2481del (p.Asp819fs)

Gene: PKD2 (polycystin 2, transient receptor potential cation channel; plus strand). Cytogenetic location: 4q22.1.
Variant type: Deletion.
Coding change: c.2457_2481del on transcript NM_000297.4 (MANE Select); coding-DNA positions 2457 to 2481, 25 bases deleted (TAGCGGACATAGCTCCAGAAGGAGG).
Protein change: p.Asp819fs; shifts the reading frame from aspartic acid 819.
Molecular consequence: frameshift variant. On other transcripts: non-coding transcript variant (1).
Genome position (GRCh38, 1-based): chr4:88,067,996-88,068,020, TAGCGGACATAGCTCCAGAAGGAGG deleted. VCF-style (leftmost placement, unchanged base first): chr4-88067995-ATAGCGGACATAGCTCCAGAAGGAGG-A. GRCh37 (hg19) VCF-style: chr4-88989147-ATAGCGGACATAGCTCCAGAAGGAGG-A.
Other names: short protein forms D819fs.
Identifiers: ClinVar variation 3234092 (VCV003234092.1), dbSNP rs2475986648, ClinGen allele CA2825001318.

ClinVar aggregate classification (germline): Pathogenic (1 of 4 stars; one submission).

Conditions:
Polycystic kidney disease 2 (PKD2). Also called: Polycystic Kidney Disease 2, Autosomal Dominant; POLYCYSTIC KIDNEY DISEASE 2 WITH OR WITHOUT POLYCYSTIC LIVER DISEASE; POLYCYSTIC KIDNEY DISEASE, ADULT, TYPE II. Identifiers: MedGen C2751306, MONDO:0013131, OMIM 613095.

Submission:

MVZ Medizinische Genetik Mainz
Classification: Pathogenic for Polycystic kidney disease 2. Last evaluated: 2022-11-04. Review status: criteria provided, single submitter. Criteria: UK Practice Guidelines For Variant Classification V4 01 2020. Collection method: clinical testing. Allele origin: germline. Inheritance: Autosomal dominant inheritance. Affected: yes. Observed: 1 variant allele.
Comment: ACMG Criteria: PVS1, PM2_SUP, PP4 (ACMG Version 4)